The following is an entry in ClinVar:

NM_001367624.2(ZNF469):c.2427C>A (p.Asp809Glu)

Gene: ZNF469 (zinc finger protein 469; plus strand). Cytogenetic location: 16q24.2.
Variant type: single nucleotide variant.
Coding change: c.2427C>A on transcript NM_001367624.2 (MANE Select); coding-DNA position 2427, C replaced by A.
Protein change: p.Asp809Glu; replaces aspartic acid 809 with glutamic acid.
Molecular consequence: missense variant.
Genome position (GRCh38, 1-based): chr16:88,429,897, C>A. VCF-style: chr16-88429897-C-A. GRCh37 (hg19) VCF-style: chr16-88496305-C-A.
Other names: NM_001127464.1:c.2427C>A; short protein forms D809E.
Identifiers: ClinVar variation 1791102 (VCV001791102.3), dbSNP rs979740520, ClinGen allele CA397071997.

ClinVar aggregate classification (germline): Uncertain significance (1 of 4 stars; one submission).

Conditions:
Cardiovascular phenotype. Identifiers: MedGen CN230736.

Allele frequency attached by ClinVar (database versions not stated): TOPMed below 0.00001.

Submission:

Ambry Genetics
Classification: Uncertain significance for Cardiovascular phenotype. Last evaluated: 2022-04-19. Review status: criteria provided, single submitter. Criteria: Ambry Variant Classification Scheme 2023. Collection method: clinical testing. Allele origin: germline.
Comment: The p.D809E variant (also known as c.2427C>A), located in coding exon 1 of the ZNF469 gene, results from a C to A substitution at nucleotide position 2427. The aspartic acid at codon 809 is replaced by glutamic acid, an amino acid with highly similar properties. This amino acid position is conserved. In addition, this alteration is predicted to be tolerated by in silico analysis. Since supporting evidence is limited at this time, the clinical significance of this alteration remains unclear.